The following is an entry in ClinVar:

NM_000346.4(SOX9):c.173C>G (p.Pro58Arg)

Genes: SOX9 (SRY-box transcription factor 9; plus strand), LOC108021846 (SOX9 promoter region; plus strand). Cytogenetic location: 17q24.3.
Variant type: single nucleotide variant.
Coding change: c.173C>G on transcript NM_000346.4 (MANE Select); coding-DNA position 173, C replaced by G.
Protein change: p.Pro58Arg; replaces proline 58 with arginine.
Molecular consequence: missense variant.
Genome position (GRCh38, 1-based): chr17:72,121,564, C>G. VCF-style: chr17-72121564-C-G. GRCh37 (hg19) VCF-style: chr17-70117705-C-G.
Other names: short protein forms P58R.
Identifiers: ClinVar variation 1353212 (VCV001353212.6), dbSNP rs770917232, ClinGen allele CA8738883.

ClinVar aggregate classification (germline): Uncertain significance (1 of 4 stars; one submission).

Conditions:
Camptomelic dysplasia (CMPD). Also called: CMPD1/SRA1; Campomelic Dysplasia. Identifiers: Orphanet 140, MedGen C1861922, MONDO:0007251, OMIM 114290.

Allele frequency attached by ClinVar (database versions not stated): gnomAD exomes below 0.00001; ExAC 0.00001; gnomAD 0.00001; TOPMed 0.00002.
gnomAD v4.1: 6 of 1,609,158 alleles (0.00037%); highest among the groups gnomAD compares: African/African-American, 0.008%; no homozygotes.

Submission:

Labcorp Genetics (formerly Invitae), Labcorp
Classification: Uncertain significance for Camptomelic dysplasia. Last evaluated: 2023-05-15. Review status: criteria provided, single submitter. Criteria: Invitae Variant Classification Sherloc (09022015). Collection method: clinical testing. Allele origin: germline.
Comment: In summary, the available evidence is currently insufficient to determine the role of this variant in disease. Therefore, it has been classified as a Variant of Uncertain Significance. Advanced modeling of protein sequence and biophysical properties (such as structural, functional, and spatial information, amino acid conservation, physicochemical variation, residue mobility, and thermodynamic stability) performed at Invitae indicates that this missense variant is not expected to disrupt SOX9 protein function. ClinVar contains an entry for this variant (Variation ID: 1353212). This variant has not been reported in the literature in individuals affected with SOX9-related conditions. This variant is present in population databases (rs770917232, gnomAD 0.009%). This sequence change replaces proline, which is neutral and non-polar, with arginine, which is basic and polar, at codon 58 of the SOX9 protein (p.Pro58Arg).